The following is an entry in ClinVar:

ClinVar aggregate classification (germline): Benign (1 of 4 stars; one submission).

Allele frequency attached by ClinVar (database versions not stated): 1000 Genomes Project 30x 0.09588; 1000 Genomes Project 0.09764; TOPMed 0.10776; gnomAD 0.11373 and 0.11396.
gnomAD v4.1: 17,348 of 152,214 alleles (11%); highest among the groups gnomAD compares: Non-Finnish European, 14%; 1,088 homozygotes.

Submission:

GeneDx
Classification: Benign. Last evaluated: 2018-06-14. Review status: criteria provided, single submitter. Criteria: GeneDx Variant Classification (06012015). Collection method: clinical testing. Allele origin: germline. Affected: yes.
Comment: This variant is considered likely benign or benign based on one or more of the following criteria: it is a conservative change, it occurs at a poorly conserved position in the protein, it is predicted to be benign by multiple in silico algorithms, and/or has population frequency not consistent with disease.

NM_001127644.2(GABRA1):c.256-221A>G

Gene: GABRA1 (gamma-aminobutyric acid type A receptor subunit alpha1; plus strand). Cytogenetic location: 5q34.
Variant type: single nucleotide variant.
Coding change: c.256-221A>G on transcript NM_001127644.2 (MANE Select); 221 bases into the intron before coding-DNA position 256, A replaced by G.
Molecular consequence: intron variant.
Genome position (GRCh38, 1-based): chr5:161,872,896, A>G. VCF-style: chr5-161872896-A-G. GRCh37 (hg19) VCF-style: chr5-161299902-A-G.
Other names: c.256-221A>G (NM_000806.5, NM_001127643.2, NM_001127645.2 and 1 more transcripts).
Identifiers: ClinVar variation 670525 (VCV000670525.1), dbSNP rs78679936, ClinGen allele CA131084906.
Genomic context (GRCh38, chr5:161,872,896, plus strand): 5'-GGTGTTACTTTCCTTTTACATATCTGAGCAGATAATTGGAAAAATTTTTCTGACCAAAAA[A>G]TATGTCAGGCATTTTAGATATTTTTTTTAAAAAATCATTACACCAACCAGTGATTCTCCT-3'